The following is an entry in ClinVar:

ClinVar aggregate classification (germline): Uncertain significance (1 of 4 stars; one submission).

gnomAD v4.1: 2 of 1,613,712 alleles (0.00012%); highest among the groups gnomAD compares: East Asian, 0.0045%; no homozygotes.

Submission:

Labcorp Genetics (formerly Invitae), Labcorp
Classification: Uncertain significance. Last evaluated: 2024-11-18. Review status: criteria provided, single submitter. Criteria: Invitae Variant Classification Sherloc (09022015). Collection method: clinical testing. Allele origin: germline.
Comment: This sequence change replaces alanine, which is neutral and non-polar, with valine, which is neutral and non-polar, at codon 3976 of the HMCN1 protein (p.Ala3976Val). This variant is not present in population databases (gnomAD no frequency). This variant has not been reported in the literature in individuals affected with HMCN1-related conditions. An algorithm developed to predict the effect of missense changes on protein structure and function outputs the following: PolyPhen-2: "Benign". The valine amino acid residue is found in multiple mammalian species, which suggests that this missense change does not adversely affect protein function. In summary, the available evidence is currently insufficient to determine the role of this variant in disease. Therefore, it has been classified as a Variant of Uncertain Significance.

NM_031935.3(HMCN1):c.11927C>T (p.Ala3976Val)

Gene: HMCN1 (hemicentin 1; plus strand). Cytogenetic location: 1q31.1.
Variant type: single nucleotide variant.
Coding change: c.11927C>T on transcript NM_031935.3 (MANE Select); coding-DNA position 11927, C replaced by T.
Protein change: p.Ala3976Val; replaces alanine 3976 with valine.
Molecular consequence: missense variant.
Genome position (GRCh38, 1-based): chr1:186,119,269, C>T. VCF-style: chr1-186119269-C-T. GRCh37 (hg19) VCF-style: chr1-186088401-C-T.
Other names: short protein forms A3976V.
Identifiers: ClinVar variation 3725573 (VCV003725573.2).